The following is an entry in ClinVar:

ClinVar aggregate classification (germline): Uncertain significance (1 of 4 stars; one submission).

gnomAD v4.1: 1 of 1,614,106 alleles (0.000062%); highest among the groups gnomAD compares: Non-Finnish European, 0.000085%; no homozygotes.

Submission:

Labcorp Genetics (formerly Invitae), Labcorp
Classification: Uncertain significance. Last evaluated: 2024-03-19. Review status: criteria provided, single submitter. Criteria: Invitae Variant Classification Sherloc (09022015). Collection method: clinical testing. Allele origin: germline.
Comment: This sequence change replaces isoleucine, which is neutral and non-polar, with valine, which is neutral and non-polar, at codon 228 of the TSPAN12 protein (p.Ile228Val). This variant is not present in population databases (gnomAD no frequency). This variant has not been reported in the literature in individuals affected with TSPAN12-related conditions. ClinVar contains an entry for this variant (Variation ID: 1940990). Advanced modeling of protein sequence and biophysical properties (such as structural, functional, and spatial information, amino acid conservation, physicochemical variation, residue mobility, and thermodynamic stability) performed at Invitae indicates that this missense variant is not expected to disrupt TSPAN12 protein function with a negative predictive value of 80%. In summary, the available evidence is currently insufficient to determine the role of this variant in disease. Therefore, it has been classified as a Variant of Uncertain Significance.

NM_012338.4(TSPAN12):c.682A>G (p.Ile228Val)

Gene: TSPAN12 (tetraspanin 12; minus strand). Cytogenetic location: 7q31.31.
Variant type: single nucleotide variant.
Coding change: c.682A>G on transcript NM_012338.4 (MANE Select); coding-DNA position 682, A replaced by G.
Protein change: p.Ile228Val; replaces isoleucine 228 with valine.
Molecular consequence: missense variant.
Genome position (GRCh38, 1-based): chr7:120,788,828, T>C on the plus strand (A>G on the coding strand, the complement: TSPAN12 is on the minus strand). VCF-style: chr7-120788828-T-C. GRCh37 (hg19) VCF-style: chr7-120428882-T-C.
Other names: short protein forms I228V.
Identifiers: ClinVar variation 1940990 (VCV001940990.5), dbSNP rs766747629, ClinGen allele CA369133807.